The following is an entry in ClinVar:

NM_018012.4(KIF26B):c.3882G>A (p.Ser1294=)

Gene: KIF26B (kinesin family member 26B; plus strand). Cytogenetic location: 1q44.
Variant type: single nucleotide variant.
Coding change: c.3882G>A on transcript NM_018012.4 (MANE Select); coding-DNA position 3882, G replaced by A.
Protein change: p.Ser1294=; no amino-acid change (serine 1294 retained).
Molecular consequence: synonymous variant.
Genome position (GRCh38, 1-based): chr1:245,686,865, G>A. VCF-style: chr1-245686865-G-A. GRCh37 (hg19) VCF-style: chr1-245850167-G-A.
Identifiers: ClinVar variation 3033764 (VCV003033764.2), dbSNP rs150300490, ClinGen allele CA1488355.
Genomic context (GRCh38, chr1:245,686,865, plus strand): 5'-ACGCTCTTCCATCAGCTCCTGGCTGAGCGAGATGAGCGCGGGCAGTGAGGGTGAGCAGTC[G>A]TGCCACAGTTTCATAGCCCAGACGTGTTTTGGGCACGGGGAGGCAATGGCAGAACCTGTG-3'
Protein context (NP_060482.2, residues 1284-1304): EMSAGSEGEQ[Ser1294=]CHSFIAQTCF

ClinVar aggregate classification (germline): Likely benign (0 of 4 stars; one submission).

Conditions:
KIF26B-related disorder. Also called: KIF26B-related condition.

Allele frequency attached by ClinVar (database versions not stated): gnomAD exomes 0.00019; ExAC 0.00068; 1000 Genomes Project 30x 0.00109; ESP Exome Variant Server 0.00118; 1000 Genomes Project 0.00120; TOPMed 0.00189; gnomAD 0.00190.
gnomAD v4.1: 584 of 1,613,542 alleles (0.036%); highest among the groups gnomAD compares: African/African-American, 0.65%; 4 homozygotes.

Submission:

PreventionGenetics, part of Exact Sciences
Classification: Likely benign for KIF26B-related condition. Last evaluated: 2019-03-15. Review status: no assertion criteria provided. Collection method: clinical testing. Allele origin: germline.
Comment: This variant is classified as likely benign based on ACMG/AMP sequence variant interpretation guidelines (Richards et al. 2015 PMID: 25741868, with internal and published modifications).